The following is an entry in ClinVar:

NM_007194.4(CHEK2):c.336C>G (p.Asn112Lys)

Gene: CHEK2 (checkpoint kinase 2; minus strand). Cytogenetic location: 22q12.1.
Variant type: single nucleotide variant.
Coding change: c.336C>G on transcript NM_007194.4 (MANE Select); coding-DNA position 336, C replaced by G.
Protein change: p.Asn112Lys; replaces asparagine 112 with lysine.
Molecular consequence: missense variant.
Genome position (GRCh38, 1-based): chr22:28,725,351, G>C on the plus strand (C>G on the coding strand, the complement: CHEK2 is on the minus strand). VCF-style: chr22-28725351-G-C. GRCh37 (hg19) VCF-style: chr22-29121339-G-C.
Other names: c.465C>G, p.Asn155Lys (NM_001005735.3); c.-442C>G (NM_001257387.3); c.336C>G, p.Asn112Lys (NM_001349956.3, NM_145862.3); short protein forms N112K, N155K.
Identifiers: ClinVar variation 410010 (VCV000410010.23), dbSNP rs1060502689, ClinGen allele CA16616592.

ClinVar aggregate classification (germline): Uncertain significance. Review status: criteria provided, multiple submitters, no conflicts (2 of 4 stars). 5 submissions from 5 submitters: Uncertain significance (5). Last evaluated 2025-06-15.

Conditions:
Hereditary cancer-predisposing syndrome. Also called: Hereditary neoplastic syndrome; Tumor predisposition; Hereditary Cancer Syndrome; Neoplastic Syndromes, Hereditary. Identifiers: Orphanet 140162, MedGen C0027672, MeSH D009386, MONDO:0015356.
Familial cancer of breast. Also called: hereditary breast carcinoma; Hereditary breast cancer; BREAST CANCER, FAMILIAL. Identifiers: Orphanet 227535, MedGen C0346153, MONDO:0016419, OMIM 114480. Disease mechanism: loss of function.

Submissions (5):

Labcorp Genetics (formerly Invitae), Labcorp
Classification: Uncertain significance for Familial cancer of breast. Last evaluated: 2025-06-15. Review status: criteria provided, single submitter. Criteria: Invitae Variant Classification Sherloc (09022015). Collection method: clinical testing. Allele origin: germline.
Comment: This sequence change replaces asparagine, which is neutral and polar, with lysine, which is basic and polar, at codon 112 of the CHEK2 protein (p.Asn112Lys). This variant is not present in population databases (gnomAD no frequency). This missense change has been observed in individual(s) with breast cancer (PMID: 34326862, 35264596). ClinVar contains an entry for this variant (Variation ID: 410010). An algorithm developed to predict the effect of missense changes on protein structure and function (PolyPhen-2) suggests that this variant is likely to be tolerated. Experimental studies have shown that this missense change does not substantially affect CHEK2 function (PMID: 37449874). In summary, the available evidence is currently insufficient to determine the role of this variant in disease. Therefore, it has been classified as a Variant of Uncertain Significance.

Dasa
Classification: Uncertain significance. Last evaluated: 2025-05-26. Review status: criteria provided, single submitter. Criteria: DASA Assertion Criteria. Collection method: clinical testing. Allele origin: germline.
Comment: NM_007194.4(CHEK2):c.336C>G (p.Asn112Lys) is a missense variant that results in the substitution of asparagine with lysine. This variant is absent from population databases. Computational prediction algorithms are consistent with a benign effect. The currently available literature and clinical evidence are not sufficient to establish a definitive association between this variant and the reported condition. Therefore, this variant is classified as a variant of uncertain significance.

Color Diagnostics, LLC DBA Color Health
Classification: Uncertain significance for Hereditary cancer-predisposing syndrome. Last evaluated: 2024-09-18. Review status: criteria provided, single submitter. Criteria: ACMG Guidelines, 2015. Collection method: clinical testing. Allele origin: germline.
Comment: This missense variant replaces asparagine with lysine at codon 112 of the CHEK2 protein. Computational prediction suggests that this variant may not impact protein structure and function. Experimental studies have shown that this variant was functional in in vitro kinase assays (PMID: 37449874). This variant has been reported in individuals affected with breast cancer (PMID: 34326862, 35264596). This variant has not been identified in the general population by the Genome Aggregation Database (gnomAD). The available evidence is insufficient to determine the role of this variant in disease conclusively. Therefore, this variant is classified as a Variant of Uncertain Significance.

Ambry Genetics
Classification: Uncertain significance for Hereditary cancer-predisposing syndrome. Last evaluated: 2024-03-01. Review status: criteria provided, single submitter. Criteria: Ambry Variant Classification Scheme 2023. Collection method: clinical testing. Allele origin: germline.
Comment: The p.N112K variant (also known as c.336C>G), located in coding exon 2 of the CHEK2 gene, results from a C to G substitution at nucleotide position 336. The asparagine at codon 112 is replaced by lysine, an amino acid with similar properties. This alteration was detected in a cohort of 1663 Brazilian breast cancer patients who underwent hereditary multigene panel testing (Guindalini RSC et al. Sci Rep, 2022 Mar;12:4190). This alteration was reported as functional in a study assessing CHEK2-complementation through quantification of KAP1 phosphorylation and CHK2 autophosphorylation in human RPE1-CHEK2-knockout cells (Stolarova L et al. Clin Cancer Res, 2023 Aug;29:3037-3050). This amino acid position is not well conserved in available vertebrate species. In addition, this alteration is predicted to be tolerated by in silico analysis. Based on the available evidence, the clinical significance of this alteration remains unclear.

Mendelics
Classification: Uncertain significance for Familial cancer of breast. Last evaluated: 2018-07-02. Review status: criteria provided, single submitter. Criteria: Mendelics Assertion Criteria 2017. Collection method: clinical testing. Allele origin: unknown.

Literature cited by the submitters: PubMed 34326862 (cited by Labcorp Genetics (formerly Invitae), Labcorp and Color Diagnostics, LLC DBA Color Health); PubMed 35264596 (cited by 3 submitters); PubMed 37449874 (cited by 3 submitters).